The following is an entry in ClinVar:

ClinVar aggregate classification (germline): Uncertain significance (1 of 4 stars; one submission).

Conditions:
Early-infantile DEE. Also called: Early infantile epileptic encephalopathy with suppression bursts; Ohtahara syndrome; Early infantile epileptic encephalopathy. Identifiers: Orphanet 1934, MedGen C0393706, MONDO:0800491.

Allele frequency attached by ClinVar (database versions not stated): gnomAD exomes below 0.00001; TOPMed 0.00001; ExAC 0.00002.
gnomAD v4.1: 6 of 1,603,072 alleles (0.00037%); highest among the groups gnomAD compares: African/African-American, 0.0067%; no homozygotes.

Submission:

Labcorp Genetics (formerly Invitae), Labcorp
Classification: Uncertain significance for Early-infantile DEE. Last evaluated: 2020-09-03. Review status: criteria provided, single submitter. Criteria: Invitae Variant Classification Sherloc (09022015). Collection method: clinical testing. Allele origin: germline.
Comment: In summary, the available evidence is currently insufficient to determine the role of this variant in disease. Therefore, it has been classified as a Variant of Uncertain Significance. Algorithms developed to predict the effect of missense changes on protein structure and function are either unavailable or do not agree on the potential impact of this missense change (SIFT: "Deleterious"; PolyPhen-2: "Benign"; Align-GVGD: "Class C0"). This variant has not been reported in the literature in individuals with CACNA2D2-related conditions. This variant is present in population databases (rs369985959, ExAC 0.02%). This sequence change replaces isoleucine with serine at codon 87 of the CACNA2D2 protein (p.Ile87Ser). The isoleucine residue is moderately conserved and there is a large physicochemical difference between isoleucine and serine.

NM_006030.4(CACNA2D2):c.260T>G (p.Ile87Ser)

Gene: CACNA2D2 (calcium voltage-gated channel auxiliary subunit alpha2delta 2; minus strand). Cytogenetic location: 3p21.31.
Variant type: single nucleotide variant.
Coding change: c.260T>G on transcript NM_006030.4 (MANE Select); coding-DNA position 260, T replaced by G.
Protein change: p.Ile87Ser; replaces isoleucine 87 with serine.
Molecular consequence: missense variant.
Genome position (GRCh38, 1-based): chr3:50,476,146, A>C on the plus strand (T>G on the coding strand, the complement: CACNA2D2 is on the minus strand). VCF-style: chr3-50476146-A-C. GRCh37 (hg19) VCF-style: chr3-50513577-A-C.
Other names: c.260T>G, p.Ile87Ser (NM_001005505.3, NM_001174051.3); c.53T>G, p.Ile18Ser (NM_001291101.1); short protein forms I18S, I87S.
Identifiers: ClinVar variation 1004581 (VCV001004581.6), dbSNP rs369985959, ClinGen allele CA2419280.